The following is an entry in ClinVar:

ClinVar aggregate classification (germline): Benign/Likely benign. Review status: criteria provided, multiple submitters, no conflicts (2 of 4 stars). 7 submissions from 7 submitters: Benign (1); Likely benign (5). 1 of the submissions does not count toward it. Last evaluated 2025-11-24.

Conditions:
Cardiac arrhythmia. Also called: Arrhythmia; Cardiac rhythm disease. Identifiers: MedGen C0003811, MONDO:0007263, HP:0011675.
Long QT syndrome (LQTS). Identifiers: MedGen C0023976, MeSH D008133, MONDO:0002442. Disease mechanism: loss of function. Inheritance: Various modes of inheritance.
Cardiovascular phenotype. Identifiers: MedGen CN230736.

Allele frequency attached by ClinVar (database versions not stated): gnomAD exomes 0.00003 and 0.00009; ExAC 0.00015; 1000 Genomes Project 30x 0.00016; 1000 Genomes Project 0.00020; ESP Exome Variant Server 0.00031; TOPMed 0.00032; gnomAD 0.00037 and 0.00038.
gnomAD v4.1: 111 of 1,606,312 alleles (0.0069%); highest among the groups gnomAD compares: African/African-American, 0.092%; 1 homozygote.

Submissions (7):

Labcorp Genetics (formerly Invitae), Labcorp
Classification: Likely benign for Long QT syndrome. Last evaluated: 2025-11-24. Review status: criteria provided, single submitter. Criteria: Invitae Variant Classification Sherloc (09022015). Collection method: clinical testing. Allele origin: germline.

Women's Health and Genetics/Laboratory Corporation of America, LabCorp
Classification: Likely benign. Last evaluated: 2025-07-08. Review status: criteria provided, single submitter. Criteria: LabCorp Variant Classification Summary - May 2015. Collection method: clinical testing. Allele origin: germline.
Comment: Variant summary: KCNH2 c.2900C>T (p.Pro967Leu) results in a non-conservative amino acid change in the encoded protein sequence. Algorithms developed to predict the effect of missense changes on protein structure and function are either unavailable or do not agree on the potential impact of this missense change. The variant allele was found at a frequency of 9.2e-05 in 228208 control chromosomes, predominantly at a frequency of 0.001 within the African or African-American subpopulation in the gnomAD database. The observed variant frequency within African or African-American control individuals in the gnomAD database is approximately 10 fold of the estimated maximal expected allele frequency for a pathogenic variant in KCNH2 causing Arrhythmia phenotype (0.0001). To our knowledge, no experimental evidence demonstrating its impact on protein function has been reported. ClinVar contains an entry for this variant (Variation ID: 67451). Based on the evidence outlined above, the variant was classified as likely benign.

Blueprint Genetics
Classification: Likely benign. Last evaluated: 2024-09-26. Review status: criteria provided, single submitter. Criteria: ACMG Guidelines, 2015. Collection method: clinical testing. Allele origin: germline.

Color Diagnostics, LLC DBA Color Health
Classification: Likely benign for Cardiac arrhythmia. Last evaluated: 2024-08-29. Review status: criteria provided, single submitter. Criteria: ACMG Guidelines, 2015. Collection method: clinical testing. Allele origin: germline.

Ambry Genetics
Classification: Likely benign for Cardiovascular phenotype. Last evaluated: 2016-10-27. Review status: criteria provided, single submitter. Criteria: Ambry Variant Classification Scheme 2023. Collection method: clinical testing. Allele origin: germline.

GeneDx
Classification: Benign. Last evaluated: 2015-03-03. Review status: criteria provided, single submitter. Criteria: GeneDx Variant Classification Process June 2021. Collection method: clinical testing. Allele origin: germline. Affected: yes.

Cardiovascular Biomedical Research Unit, Royal Brompton & Harefield NHS Foundation Trust
No classification provided. Review status: no classification provided. Collection method: literature only. Allele origin: germline. Not counted in ClinVar's aggregate classification.
Comment: This variant has been reported in the following publications (PMID:14661677;PMID:19841300).

Literature cited by the submitters: PubMed 14661677 (cited by Cardiovascular Biomedical Research Unit, Royal Brompton & Harefield NHS Foundation Trust); PubMed 19841300 (cited by Cardiovascular Biomedical Research Unit, Royal Brompton & Harefield NHS Foundation Trust); PubMed 22581653 (cited by Cardiovascular Biomedical Research Unit, Royal Brompton & Harefield NHS Foundation Trust).

NM_000238.4(KCNH2):c.2900C>T (p.Pro967Leu)

Gene: KCNH2 (potassium voltage-gated channel subfamily H member 2; minus strand). Cytogenetic location: 7q36.1.
Variant type: single nucleotide variant.
Coding change: c.2900C>T on transcript NM_000238.4 (MANE Select); coding-DNA position 2900, C replaced by T.
Protein change: p.Pro967Leu; replaces proline 967 with leucine.
Molecular consequence: missense variant.
Genome position (GRCh38, 1-based): chr7:150,947,671, G>A on the plus strand (C>T on the coding strand, the complement: KCNH2 is on the minus strand). VCF-style: chr7-150947671-G-A. GRCh37 (hg19) VCF-style: chr7-150644759-G-A.
Other names: c.1880C>T, p.Pro627Leu (NM_172057.3); c.2900C>T (NM_000238.2, LRG_288t1); short protein forms P627L, P967L.
Identifiers: ClinVar variation 67451 (VCV000067451.23), dbSNP rs199473016, ClinGen allele CA007598.